The following is an entry in ClinVar:

ClinVar aggregate classification (germline): Uncertain significance (1 of 4 stars; one submission).

Conditions:
Epidermolysis bullosa simplex 5B, with muscular dystrophy (EBS5B). Also called: Epidermolysis bullosa simplex with muscular dystrophy; EPIDERMOLYSIS BULLOSA SIMPLEX AND LIMB-GIRDLE MUSCULAR DYSTROPHY. Identifiers: Orphanet 257, MedGen C2931072, MONDO:0009181, OMIM 226670.
Epidermolysis bullosa simplex, Ogna type (EBS5A). Also called: Pidermolysis bullosa simplex 5A, Ogna type; EPIDERMOLYSIS BULLOSA SIMPLEX 5A, OGNA TYPE. Identifiers: Orphanet 79401, MedGen C0432317, MONDO:0007555, OMIM 131950.
Autosomal recessive limb-girdle muscular dystrophy type 2Q (LGMDR17). Also called: MUSCULAR DYSTROPHY, LIMB-GIRDLE, AUTOSOMAL RECESSIVE 17. Identifiers: Orphanet 254361, MedGen C3150989, MONDO:0013390, OMIM 613723.
Epidermolysis bullosa simplex with nail dystrophy (EBS5D). Identifiers: MedGen C4225309, MONDO:0014661, OMIM 616487.
Epidermolysis bullosa simplex 5C, with pyloric atresia (EBS5C). Also called: Epidermolysis bullosa simplex with pyloric atresia; PLEC-Related Epidermolysis Bullosa with Pyloric Atresia; PLEC1-Related Epidermolysis Bullosa with Pyloric Atresia. Identifiers: Orphanet 158684, MedGen C2677349, MONDO:0012807, OMIM 612138.

gnomAD v4.1: 3 of 1,613,344 alleles (0.00019%); highest among the groups gnomAD compares: South Asian, 0.0022%; no homozygotes.

Submission:

Labcorp Genetics (formerly Invitae), Labcorp
Classification: Uncertain significance for Autosomal recessive limb-girdle muscular dystrophy type 2Q; Epidermolysis bullosa simplex, Ogna type; Epidermolysis bullosa simplex with nail dystrophy; Epidermolysis bullosa simplex 5C, with pyloric atresia; Epidermolysis bullosa simplex 5B, with muscular dystrophy. Last evaluated: 2023-08-04. Review status: criteria provided, single submitter. Criteria: Invitae Variant Classification Sherloc (09022015). Collection method: clinical testing. Allele origin: germline.
Comment: In summary, the available evidence is currently insufficient to determine the role of this variant in disease. Therefore, it has been classified as a Variant of Uncertain Significance. An algorithm developed to predict the effect of missense changes on protein structure and function (PolyPhen-2) suggests that this variant is likely to be disruptive. ClinVar contains an entry for this variant (Variation ID: 958432). This variant has not been reported in the literature in individuals affected with PLEC-related conditions. This variant is not present in population databases (gnomAD no frequency). This sequence change replaces glycine, which is neutral and non-polar, with alanine, which is neutral and non-polar, at codon 3304 of the PLEC protein (p.Gly3304Ala).

NM_201384.3(PLEC):c.9830G>C (p.Gly3277Ala)

Gene: PLEC (plectin; minus strand). Cytogenetic location: 8q24.3.
Variant type: single nucleotide variant.
Coding change: c.9830G>C on transcript NM_201384.3 (MANE Select); coding-DNA position 9830, G replaced by C.
Protein change: p.Gly3277Ala; replaces glycine 3277 with alanine.
Molecular consequence: missense variant.
Genome position (GRCh38, 1-based): chr8:143,919,991, C>G on the plus strand (G>C on the coding strand, the complement: PLEC is on the minus strand). VCF-style: chr8-143919991-C-G. GRCh37 (hg19) VCF-style: chr8-144994159-C-G.
Other names: c.9911G>C, p.Gly3304Ala (NM_000445.5); c.9788G>C, p.Gly3263Ala (NM_201378.4); c.9764G>C, p.Gly3255Ala (NM_201379.3); c.10241G>C, p.Gly3414Ala (NM_201380.4); c.9734G>C, p.Gly3245Ala (NM_201381.3); c.9830G>C, p.Gly3277Ala (NM_201382.4); c.9842G>C, p.Gly3281Ala (NM_201383.3); short protein forms G3281A, G3255A, G3414A, G3245A, G3263A, G3277A, G3304A.
Identifiers: ClinVar variation 958432 (VCV000958432.10), dbSNP rs1441006146, ClinGen allele CA372506468.